The following is an entry in ClinVar:

ClinVar aggregate classification (germline): Uncertain significance (1 of 4 stars; one submission).

Conditions:
Myopathy, proximal, and ophthalmoplegia (CMYO6). Also called: INCLUSION BODY MYOPATHY 3, AUTOSOMAL DOMINANT; CONGENITAL MYOPATHY 6 WITH OPHTHALMOPLEGIA; MYOPATHY WITH CONGENITAL JOINT CONTRACTURES, OPHTHALMOPLEGIA, AND RIMMED VACUOLES. Identifiers: Orphanet 363677, Orphanet 79091, MedGen C1854106, MONDO:0011577, OMIM 605637.

Allele frequency attached by ClinVar (database versions not stated): gnomAD exomes below 0.00001; TOPMed below 0.00001.
gnomAD v4.1: 1 of 1,614,232 alleles (0.000062%); highest among the groups gnomAD compares: Admixed American, 0.0017%; no homozygotes.

Submission:

Labcorp Genetics (formerly Invitae), Labcorp
Classification: Uncertain significance for Myopathy, proximal, and ophthalmoplegia. Last evaluated: 2023-01-05. Review status: criteria provided, single submitter. Criteria: Invitae Variant Classification Sherloc (09022015). Collection method: clinical testing. Allele origin: germline.
Comment: Algorithms developed to predict the effect of sequence changes on RNA splicing suggest that this variant may create or strengthen a splice site. In summary, the available evidence is currently insufficient to determine the role of this variant in disease. Therefore, it has been classified as a Variant of Uncertain Significance. Advanced modeling of protein sequence and biophysical properties (such as structural, functional, and spatial information, amino acid conservation, physicochemical variation, residue mobility, and thermodynamic stability) performed at Invitae indicates that this missense variant is not expected to disrupt MYH2 protein function. This variant has not been reported in the literature in individuals affected with MYH2-related conditions. This variant is not present in population databases (gnomAD no frequency). This sequence change replaces cysteine, which is neutral and slightly polar, with tyrosine, which is neutral and polar, at codon 798 of the MYH2 protein (p.Cys798Tyr).

NM_017534.6(MYH2):c.2393G>A (p.Cys798Tyr)

Genes: MYH2 (myosin heavy chain 2; minus strand), MYHAS (myosin heavy chain gene cluster antisense RNA; plus strand). Cytogenetic location: 17p13.1.
Variant type: single nucleotide variant.
Coding change: c.2393G>A on transcript NM_017534.6 (MANE Select); coding-DNA position 2393, G replaced by A.
Protein change: p.Cys798Tyr; replaces cysteine 798 with tyrosine.
Molecular consequence: missense variant.
Genome position (GRCh38, 1-based): chr17:10,533,333, C>T on the plus strand (G>A on the coding strand, the complement: MYH2 is on the minus strand). VCF-style: chr17-10533333-C-T. GRCh37 (hg19) VCF-style: chr17-10436650-C-T.
Other names: c.2393G>A, p.Cys798Tyr (NM_001100112.2); short protein forms C798Y.
Identifiers: ClinVar variation 1906058 (VCV001906058.5), dbSNP rs2073446332, ClinGen allele CA398148109.
Genomic context (GRCh38, chr17:10,533,333, plus strand): 5'-TATTTTTTATACCTTCTCTCCACCATCCTCTGGTACTCCACTCTTGCCAAGAACCCTCTG[C>T]ACCTGGCCTGGGTTCGGGTAATCAGCTGGGCCAGCTTGTCATCTCGCATCTCCTCTAGGA-3'
Protein context (NP_060004.3, residues 788-808): AQLITRTQAR[Cys798Tyr]RGFLARVEYQ